The following is an entry in ClinVar:

ClinVar aggregate classification (germline): Uncertain significance. Review status: criteria provided, multiple submitters, no conflicts (2 of 4 stars). 2 submissions from 2 submitters: Uncertain significance (2). Last evaluated 2025-09-01.

Conditions:
Muscular dystrophy-dystroglycanopathy (congenital with brain and eye anomalies), type A9. Also called: Muscular dystrophy-dystroglycanopathy (congenital with brain and eye anomalies), type a, 9; WALKER-WARBURG SYNDROME OR MUSCLE-EYE BRAIN DISEASE, DAG1-RELATED. Identifiers: Orphanet 370997, Orphanet 899, MedGen C4225291, MONDO:0014683, OMIM 616538.
Autosomal recessive limb-girdle muscular dystrophy type 2P. Also called: Limb-Girdle Muscular Dystrophy Type 9C; MUSCULAR DYSTROPHY, LIMB-GIRDLE, TYPE 2P; MUSCULAR DYSTROPHY-DYSTROGLYCANOPATHY, LIMB-GIRDLE, DAG1-RELATED. Identifiers: Orphanet 280333, MedGen C4511963, MONDO:0013440, OMIM 613818.
Inborn genetic diseases. Identifiers: MedGen C0950123, MeSH D030342.

Allele frequency attached by ClinVar (database versions not stated): gnomAD exomes below 0.00001; TOPMed below 0.00001.
gnomAD v4.1: 3 of 1,613,088 alleles (0.00019%); highest among the groups gnomAD compares: Non-Finnish European, 0.00025%; no homozygotes.

Submissions (2):

Ambry Genetics
Classification: Uncertain significance for Inborn genetic diseases. Last evaluated: 2025-09-01. Review status: criteria provided, single submitter. Criteria: Ambry Variant Classification Scheme 2023. Collection method: clinical testing. Allele origin: germline.

Labcorp Genetics (formerly Invitae), Labcorp
Classification: Uncertain significance for Autosomal recessive limb-girdle muscular dystrophy type 2P; Muscular dystrophy-dystroglycanopathy (congenital with brain and eye anomalies), type A9. Last evaluated: 2022-11-08. Review status: criteria provided, single submitter. Criteria: Invitae Variant Classification Sherloc (09022015). Collection method: clinical testing. Allele origin: germline.
Comment: This sequence change replaces tyrosine, which is neutral and polar, with cysteine, which is neutral and slightly polar, at codon 892 of the DAG1 protein (p.Tyr892Cys). This variant is present in population databases (no rsID available, gnomAD 0.0009%). This variant has not been reported in the literature in individuals affected with DAG1-related conditions. ClinVar contains an entry for this variant (Variation ID: 1512788). Advanced modeling of protein sequence and biophysical properties (such as structural, functional, and spatial information, amino acid conservation, physicochemical variation, residue mobility, and thermodynamic stability) performed at Invitae indicates that this missense variant is expected to disrupt DAG1 protein function. In summary, the available evidence is currently insufficient to determine the role of this variant in disease. Therefore, it has been classified as a Variant of Uncertain Significance.

NM_004393.6(DAG1):c.2675A>G (p.Tyr892Cys)

Gene: DAG1 (dystroglycan 1; plus strand). Cytogenetic location: 3p21.31.
Variant type: single nucleotide variant.
Coding change: c.2675A>G on transcript NM_004393.6 (MANE Select); coding-DNA position 2675, A replaced by G.
Protein change: p.Tyr892Cys; replaces tyrosine 892 with cysteine.
Molecular consequence: missense variant.
Genome position (GRCh38, 1-based): chr3:49,533,186, A>G. VCF-style: chr3-49533186-A-G. GRCh37 (hg19) VCF-style: chr3-49570619-A-G.
Other names: c.2675A>G, p.Tyr892Cys (NM_001165928.4, NM_001177634.3, NM_001177635.3 and 9 more transcripts); c.2675A>G (NM_004393.4); short protein forms Y892C.
Identifiers: ClinVar variation 1512788 (VCV001512788.9), dbSNP rs1394689956, ClinGen allele CA352798893.
Genomic context (GRCh38, chr3:49,533,186, plus strand): 5'-CCATGGAGGGCAAGGGCTCCCGTCCCAAGAACATGACCCCATACCGGTCACCTCCTCCCT[A>G]TGTCCCACCTTAACCCGCAAGCGCCTGGGTGGAGGCAGGGTAGGGCAGGGGCCTGGAGAC-3'
Protein context (NP_004384.5, residues 882-895): NMTPYRSPPP[Tyr892Cys]VPP